The following is an entry in ClinVar:

NM_181458.4(PAX3):c.586+427G>T

Gene: PAX3 (paired box 3; minus strand). Cytogenetic location: 2q36.1.
Variant type: single nucleotide variant.
Coding change: c.586+427G>T on transcript NM_181458.4 (MANE Select); 427 bases into the intron after coding-DNA position 586, G replaced by T.
Molecular consequence: intron variant. On other transcripts: 3 prime UTR variant (1), nonsense (1).
Genome position (GRCh38, 1-based): chr2:222,293,740, C>A on the plus strand (G>T on the coding strand, the complement: PAX3 is on the minus strand). VCF-style: chr2-222293740-C-A. GRCh37 (hg19) VCF-style: chr2-223158459-C-A.
Other names: c.*365G>T (NM_000438.6); c.604G>T, p.Gly202Ter (NM_013942.5); c.583+427G>T (NM_001127366.3); c.586+427G>T (NM_181460.4, NM_181461.4, NM_181459.4 and 1 more transcripts); short protein forms G202*.
Identifiers: ClinVar variation 432827 (VCV000432827.3), dbSNP rs747070982, ClinGen allele CA351112096.

ClinVar aggregate classification (germline): Uncertain significance (1 of 4 stars; one submission).

Allele frequency attached by ClinVar (database versions not stated): TOPMed below 0.00001.

Submission:

GeneDx
Classification: Uncertain significance. Last evaluated: 2020-09-04. Review status: criteria provided, single submitter. Criteria: GeneDx Variant Classification Process June 2021. Collection method: clinical testing. Allele origin: germline. Affected: yes.
Comment: Not observed in large population cohorts (Lek et al., 2016); Nonsense variant predicted to result in protein truncation as the last 5 amino acids are lost, although loss-of-function variants have not been reported downstream of this position in the protein; Has not been previously published as pathogenic or benign to our knowledge